The following is an entry in ClinVar:

NM_000484.4(APP):c.819CAC[8] (p.Thr280dup)

Gene: APP (amyloid beta precursor protein; minus strand). Cytogenetic location: 21q21.3.
Variant type: Microsatellite.
Coding change: c.819CAC[8] on transcript NM_000484.4 (MANE Select); eight copies in a row of the 3-base unit CAC starting at c.819; the reference has seven copies in a row; one copy, 3 bases duplicated; also written c.837_839dup.
Protein change: p.Thr280dup; duplicates threonine 280.
Molecular consequence: inframe insertion.
Genome position (GRCh38, 1-based): chr21:26,021,866-26,021,868, GTG duplicated on the plus strand (CAC on the coding strand, the reverse complement: APP is on the minus strand); duplicating any 3 consecutive bases within chr21:26,021,866-26,021,887 gives the same sequence; the position shown is the placement nearest the transcript's 3' end. VCF-style (leftmost placement, unchanged base first): chr21-26021865-T-TGTG. GRCh37 (hg19) VCF-style: chr21-27394181-T-TGTG.
Other names: p.Thr280dup; c.804CAC[8], p.Thr275dup (NM_001136016.3); c.651CAC[8], p.Thr224dup (NM_001136129.3, NM_001136130.3); c.714CAC[8], p.Thr245dup (NM_001136131.3); c.819CAC[8], p.Thr280dup (NM_001204301.2, NM_001204302.2, NM_001204303.2 and 3 more transcripts); c.837_839dupCAC (NM_000484.4); c.837_839dup (NM_000484.4).
Identifiers: ClinVar variation 339641 (VCV000339641.23), dbSNP rs527890624, ClinGen allele CA9987551.

ClinVar aggregate classification (germline): Conflicting classifications of pathogenicity. Review status: criteria provided, conflicting classifications (1 of 4 stars). 5 submissions from 5 submitters: Uncertain significance (3); Likely benign (2). Last evaluated 2026-07-01.

Conditions:
APP-related disorder. Also called: APP-related condition.
Alzheimer disease. Also called: Presenile and senile dementia; Alzheimer's disease. Identifiers: Orphanet 1020, MedGen C0002395, MeSH D000544, MONDO:0004975, HP:0002511.

Submissions (5):

CeGaT Center for Human Genetics Tuebingen
Classification: Likely benign. Last evaluated: 2026-07-01. Review status: criteria provided, single submitter. Criteria: CeGaT Center For Human Genetics Tuebingen Variant Classification Criteria Version 2. Collection method: clinical testing. Allele origin: germline. Affected: yes. Observed: 1 variant allele.
Comment: APP: BS1

PreventionGenetics, part of Exact Sciences
Classification: Uncertain significance for APP-related condition. Last evaluated: 2026-06-22. Review status: criteria provided, single submitter. Criteria: ACMG Guidelines, 2015. Collection method: clinical testing. Allele origin: germline.
Comment: The APP c.837_839dupCAC variant is predicted to result in an in-frame duplication (p.Thr280dup). This variant was reported in two individuals with Alzheimer disease; however, no additional information was provided to support causation (Mao et al 2021. PubMed ID: 34102969). This variant is reported in 0.087% of alleles in individuals of South Asian descent in gnomAD, which is higher than expected for a pathogenic variant. Although we suspect that this variant may be benign, at this time, the clinical significance of this variant is uncertain due to the absence of conclusive functional and genetic evidence.

Labcorp Genetics (formerly Invitae), Labcorp
Classification: Likely benign for Alzheimer disease. Last evaluated: 2025-10-16. Review status: criteria provided, single submitter. Criteria: Invitae Variant Classification Sherloc (09022015). Collection method: clinical testing. Allele origin: germline.

Women's Health and Genetics/Laboratory Corporation of America, LabCorp
Classification: Uncertain significance. Last evaluated: 2025-02-03. Review status: criteria provided, single submitter. Criteria: LabCorp Variant Classification Summary - May 2015. Collection method: clinical testing. Allele origin: germline.
Comment: Variant summary: APP c.837_839dupCAC (p.Thr280dup) results in an in-frame duplication that is predicted to duplicate one amino acid into the encoded protein. The variant allele was found at a frequency of 0.00028 in 241486 control chromosomes. This frequency is not significantly higher than estimated for a pathogenic variant in APP causing Alzheimer Disease, allowing no conclusion about variant significance. c.837_839dupCAC has been reported in the literature in individuals diagnosed with dementia, however, authors classified this variant as uncertain significance (Mao_2021). This report does not provide unequivocal conclusions about association of the variant with Alzheimer Disease. To our knowledge, no experimental evidence demonstrating an impact on protein function has been reported. The following publication has been ascertained in the context of this evaluation (PMID: 34102969). ClinVar contains an entry for this variant (Variation ID: 339641). Based on the evidence outlined above, the variant was classified as uncertain significance.

Mayo Clinic Laboratories, Mayo Clinic
Classification: Uncertain significance. Last evaluated: 2023-12-06. Review status: criteria provided, single submitter. Criteria: ACMG Guidelines, 2015. Collection method: clinical testing. Allele origin: germline. Observed: 1 variant allele.
Comment: BS2

Literature cited by the submitters: PubMed 34102969 (cited by Women's Health and Genetics/Laboratory Corporation of America, LabCorp and Mayo Clinic Laboratories, Mayo Clinic).